The following is an entry in ClinVar:

NM_006121.4(KRT1):c.571T>A (p.Phe191Ile)

Gene: KRT1 (keratin 1; minus strand). Cytogenetic location: 12q13.13.
Variant type: single nucleotide variant.
Coding change: c.571T>A on transcript NM_006121.4 (MANE Select); coding-DNA position 571, T replaced by A.
Protein change: p.Phe191Ile; replaces phenylalanine 191 with isoleucine.
Molecular consequence: missense variant.
Genome position (GRCh38, 1-based): chr12:52,679,778, A>T on the plus strand (T>A on the coding strand, the complement: KRT1 is on the minus strand). VCF-style: chr12-52679778-A-T. GRCh37 (hg19) VCF-style: chr12-53073562-A-T.
Other names: short protein forms F191I.
Identifiers: ClinVar variation 66651 (VCV000066651.5), dbSNP rs59022806, ClinGen allele CA217458.
Genomic context (GRCh38, chr12:52,679,778, plus strand): 5'-CCAGCGGCAGCCCTACCAGTGCAATGAGAGAGAAACTCACCTTGTCAATGAAGGAGGCAA[A>T]TTGGTTGTTGAGTGACTTGATTTGCTCCCTTTCTCGAGACTTCACCTTTTGGATCTCAGG-3'
Protein context (NP_006112.3, residues 181-201): REQIKSLNNQ[Phe191Ile]ASFIDKVRFL

ClinVar aggregate classification (germline): Pathogenic. Review status: criteria provided, single submitter (1 of 4 stars). 2 submissions from 2 submitters: Pathogenic (1). 1 of the submissions does not count toward it. Last evaluated 2022-02-08.

Submissions (2):

Labcorp Genetics (formerly Invitae), Labcorp
Classification: Pathogenic. Last evaluated: 2022-02-08. Review status: criteria provided, single submitter. Criteria: Invitae Variant Classification Sherloc (09022015). Collection method: clinical testing. Allele origin: germline.
Comment: For these reasons, this variant has been classified as Pathogenic. Advanced modeling of protein sequence and biophysical properties (such as structural, functional, and spatial information, amino acid conservation, physicochemical variation, residue mobility, and thermodynamic stability) performed at Invitae indicates that this missense variant is expected to disrupt KRT1 protein function. ClinVar contains an entry for this variant (Variation ID: 66651). This missense change has been observed in individual(s) with KRT1 related conditions (PMID: 16990804). In at least one individual the variant was observed to be de novo. This variant is not present in population databases (gnomAD no frequency). This sequence change replaces phenylalanine, which is neutral and non-polar, with isoleucine, which is neutral and non-polar, at codon 191 of the KRT1 protein (p.Phe191Ile).

Epithelial Biology;  Institute of Medical Biology, Singapore
No classification provided. Review status: no classification provided. Collection method: not provided. Allele origin: not provided. Not counted in ClinVar's aggregate classification.

Literature cited by the submitters: PubMed 16990804 (cited by Labcorp Genetics (formerly Invitae), Labcorp).